The following is an entry in ClinVar:

ClinVar aggregate classification (germline): Uncertain significance (1 of 4 stars; one submission).

Conditions:
Susceptibility to respiratory infections associated with CD8alpha chain mutation (IMD116). Also called: Cd8 deficiency, familial; IMMUNODEFICIENCY 116. Identifiers: Orphanet 169085, MedGen C1837065, MONDO:0012161, OMIM 608957.

Allele frequency attached by ClinVar (database versions not stated): gnomAD exomes below 0.00001.
gnomAD v4.1: 2 of 1,613,642 alleles (0.00012%); highest among the groups gnomAD compares: Non-Finnish European, 0.00017%; no homozygotes.

Submission:

Labcorp Genetics (formerly Invitae), Labcorp
Classification: Uncertain significance for Susceptibility to respiratory infections associated with CD8alpha chain mutation. Last evaluated: 2022-02-09. Review status: criteria provided, single submitter. Criteria: Invitae Variant Classification Sherloc (09022015). Collection method: clinical testing. Allele origin: germline.
Comment: In summary, the available evidence is currently insufficient to determine the role of this variant in disease. Therefore, it has been classified as a Variant of Uncertain Significance. Algorithms developed to predict the effect of missense changes on protein structure and function output the following: SIFT: "Tolerated"; PolyPhen-2: "Benign"; Align-GVGD: "Class C0". The phenylalanine amino acid residue is found in multiple mammalian species, which suggests that this missense change does not adversely affect protein function. This variant has not been reported in the literature in individuals affected with CD8A-related conditions. This variant is present in population databases (no rsID available, gnomAD 0.0009%). This sequence change replaces tyrosine, which is neutral and polar, with phenylalanine, which is neutral and non-polar, at codon 124 of the CD8A protein (p.Tyr124Phe).

NM_001768.7(CD8A):c.371A>T (p.Tyr124Phe)

Gene: CD8A (CD8 subunit alpha; minus strand). Cytogenetic location: 2p11.2.
Variant type: single nucleotide variant.
Coding change: c.371A>T on transcript NM_001768.7 (MANE Select); coding-DNA position 371, A replaced by T.
Protein change: p.Tyr124Phe; replaces tyrosine 124 with phenylalanine.
Molecular consequence: missense variant. On other transcripts: non-coding transcript variant (3).
Genome position (GRCh38, 1-based): chr2:86,790,360, T>A on the plus strand (A>T on the coding strand, the complement: CD8A is on the minus strand). VCF-style: chr2-86790360-T-A. GRCh37 (hg19) VCF-style: chr2-87017483-T-A.
Other names: c.371A>T, p.Tyr124Phe (NM_001145873.1, NM_001382698.1, NM_171827.4); short protein forms Y124F.
Identifiers: ClinVar variation 1368173 (VCV001368173.6), dbSNP rs1221153844, ClinGen allele CA347576754.